The following is an entry in ClinVar:

ClinVar aggregate classification (germline): Uncertain significance. Review status: criteria provided, multiple submitters, no conflicts (2 of 4 stars). 3 submissions from 3 submitters: Uncertain significance (3). Last evaluated 2023-09-20.

Conditions:
Connective tissue disorder. Also called: Connective tissue disease. Identifiers: MedGen C0009782, MONDO:0003900.
Achondrogenesis, type IA (ACG1A). Identifiers: Orphanet 932, Orphanet 93299, MedGen C0265273, MONDO:0008701, OMIM 200600.

Allele frequency attached by ClinVar (database versions not stated): ExAC 0.00010; gnomAD exomes 0.00011 and 0.00025; TOPMed 0.00020; ESP Exome Variant Server 0.00023; gnomAD 0.00023 and 0.00024.

Submissions (3):

ARUP Laboratories, Molecular Genetics and Genomics, ARUP Laboratories
Classification: Uncertain significance. Last evaluated: 2023-09-20. Review status: criteria provided, single submitter. Criteria: ARUP Molecular Germline Variant Investigation Process 2024. Collection method: clinical testing. Allele origin: germline.
Comment: The TRIP11 c.5900A>G; p.Asn1967Ser variant (rs113605039), to our knowledge, is not reported in the medical literature but is reported in ClinVar (Variation ID: 1473435). This variant is found in the non-Finnish European population with an allele frequency of 0.03% (34/129,130 alleles) in the Genome Aggregation Database. Computational analyses predict that this variant is neutral (REVEL: 0.099). However, given the lack of clinical and functional data, the significance of this variant is uncertain at this time.

Labcorp Genetics (formerly Invitae), Labcorp
Classification: Uncertain significance for Achondrogenesis, type IA. Last evaluated: 2022-07-29. Review status: criteria provided, single submitter. Criteria: Invitae Variant Classification Sherloc (09022015). Collection method: clinical testing. Allele origin: germline.
Comment: This sequence change replaces asparagine, which is neutral and polar, with serine, which is neutral and polar, at codon 1967 of the TRIP11 protein (p.Asn1967Ser). This variant is present in population databases (rs113605039, gnomAD 0.03%). This variant has not been reported in the literature in individuals affected with TRIP11-related conditions. ClinVar contains an entry for this variant (Variation ID: 1473435). Algorithms developed to predict the effect of missense changes on protein structure and function output the following: SIFT: "Not Available"; PolyPhen-2: "Benign"; Align-GVGD: "Not Available". The serine amino acid residue is found in multiple mammalian species, which suggests that this missense change does not adversely affect protein function. In summary, the available evidence is currently insufficient to determine the role of this variant in disease. Therefore, it has been classified as a Variant of Uncertain Significance.

Genome Diagnostics Laboratory, The Hospital for Sick Children
Classification: Uncertain significance for Connective tissue disorder. Last evaluated: 2019-08-01. Review status: criteria provided, single submitter. Criteria: ACMG Guidelines, 2015. Collection method: clinical testing. Allele origin: germline.

NM_004239.4(TRIP11):c.5900A>G (p.Asn1967Ser)

Gene: TRIP11 (thyroid hormone receptor interactor 11; minus strand). Cytogenetic location: 14q32.12.
Variant type: single nucleotide variant.
Coding change: c.5900A>G on transcript NM_004239.4 (MANE Select); coding-DNA position 5900, A replaced by G.
Protein change: p.Asn1967Ser; replaces asparagine 1967 with serine.
Molecular consequence: missense variant.
Genome position (GRCh38, 1-based): chr14:91,969,713, T>C on the plus strand (A>G on the coding strand, the complement: TRIP11 is on the minus strand). VCF-style: chr14-91969713-T-C. GRCh37 (hg19) VCF-style: chr14-92436057-T-C.
Other names: c.5897A>G, p.Asn1966Ser (NM_001321851.1); short protein forms N1966S, N1967S.
Identifiers: ClinVar variation 1473435 (VCV001473435.9), dbSNP rs113605039, ClinGen allele CA7313030.